The following is an entry in ClinVar:

ClinVar aggregate classification (germline): Uncertain significance (1 of 4 stars; one submission).

Conditions:
Charcot-Marie-Tooth disease type 2. Also called: Charcot-Marie-Tooth type 2. Identifiers: Orphanet 64746, MedGen C0270914, MONDO:0018993.

Submission:

Labcorp Genetics (formerly Invitae), Labcorp
Classification: Uncertain significance for Charcot-Marie-Tooth disease type 2. Last evaluated: 2023-09-18. Review status: criteria provided, single submitter. Criteria: Invitae Variant Classification Sherloc (09022015). Collection method: clinical testing. Allele origin: germline.
Comment: In summary, the available evidence is currently insufficient to determine the role of this variant in disease. Therefore, it has been classified as a Variant of Uncertain Significance. Variants that disrupt the consensus splice site are a relatively common cause of aberrant splicing (PMID: 17576681, 9536098). Algorithms developed to predict the effect of sequence changes on RNA splicing suggest that this variant may disrupt the consensus splice site. This variant has not been reported in the literature in individuals affected with LMNA-related conditions. This variant is present in population databases (no rsID available, gnomAD 0.0009%). This sequence change falls in intron 3 of the LMNA gene. It does not directly change the encoded amino acid sequence of the LMNA protein. It affects a nucleotide within the consensus splice site.

Literature cited by the submitters: PubMed 17576681; PubMed 9536098.

NM_170707.4(LMNA):c.639+3G>A

Gene: LMNA (lamin A/C; plus strand). Cytogenetic location: 1q22.
Variant type: single nucleotide variant.
Coding change: c.639+3G>A on transcript NM_170707.4 (MANE Select); 3 bases into the intron after coding-DNA position 639, G replaced by A.
Molecular consequence: intron variant.
Genome position (GRCh38, 1-based): chr1:156,134,531, G>A. VCF-style: chr1-156134531-G-A. GRCh37 (hg19) VCF-style: chr1-156104322-G-A.
Other names: c.-26+3G>A (NM_001407001.1, NM_001406999.1, NM_001407000.1 and 1 more transcripts); c.81+3G>A (NM_001406995.1, NM_001406990.1, NM_001406996.1 and 4 more transcripts); c.639+3G>A (NM_005572.4, NM_001406983.1, NM_001282625.2 and 6 more transcripts); c.396+3G>A (NM_001406987.1, NM_001282624.2, NM_001406986.1); c.303+3G>A (NM_001406989.1, NM_001257374.3, NM_001406998.1); c.342+3G>A (NM_001406988.1).
Identifiers: ClinVar variation 2761283 (VCV002761283.3), dbSNP rs1229737623, ClinGen allele CA526670804.